The following is an entry in ClinVar:

NM_001283009.2(RTEL1):c.3562A>G (p.Arg1188Gly)

Genes: RTEL1 (regulator of telomere elongation helicase 1; plus strand), RTEL1-TNFRSF6B (RTEL1-TNFRSF6B readthrough (NMD candidate); plus strand). Cytogenetic location: 20q13.33.
Variant type: single nucleotide variant.
Coding change: c.3562A>G on transcript NM_001283009.2 (MANE Select); coding-DNA position 3562, A replaced by G.
Protein change: p.Arg1188Gly; replaces arginine 1188 with glycine.
Molecular consequence: missense variant. On other transcripts: non-coding transcript variant (1).
Genome position (GRCh38, 1-based): chr20:63,695,390, A>G. VCF-style: chr20-63695390-A-G. GRCh37 (hg19) VCF-style: chr20-62326743-A-G.
Other names: c.2893A>G, p.Arg965Gly (NM_001283010.1); c.3562A>G, p.Arg1188Gly (NM_016434.4); c.3634A>G, p.Arg1212Gly (NM_032957.5); c.3634A>G (NM_032957.4); short protein forms R1212G, R1188G, R965G.
Identifiers: ClinVar variation 3436015 (VCV003436015.2).

ClinVar aggregate classification (germline): Uncertain significance. Review status: criteria provided, multiple submitters, no conflicts (2 of 4 stars). 2 submissions from 2 submitters: Uncertain significance (2). Last evaluated 2026-09-10.

Conditions:
RTEL1-related disorder. Also called: RTEL1-related condition; RTEL1-related disorders.
Inborn genetic diseases. Identifiers: MedGen C0950123, MeSH D030342.

gnomAD v4.1: 7 of 1,553,222 alleles (0.00045%); highest among the groups gnomAD compares: Non-Finnish European, 0.00061%; no homozygotes.

Submissions (2):

PreventionGenetics, part of Exact Sciences
Classification: Uncertain significance for RTEL1-related condition. Last evaluated: 2026-09-10. Review status: criteria provided, single submitter. Criteria: ACMG Guidelines, 2015. Collection method: clinical testing. Allele origin: germline.
Comment: The RTEL1 c.3634A>G variant is predicted to result in the amino acid substitution p.Arg1212Gly. To our knowledge, this variant has not been reported in the literature. This variant is reported in 0.0011% of alleles in individuals of European (Non-Finnish) descent in gnomAD. At this time, the clinical significance of this variant is uncertain due to the absence of conclusive functional and genetic evidence.

Ambry Genetics
Classification: Uncertain significance for Inborn genetic diseases. Last evaluated: 2024-12-02. Review status: criteria provided, single submitter. Criteria: Ambry Variant Classification Scheme 2023. Collection method: clinical testing. Allele origin: germline.
Comment: The p.R1188G variant (also known as c.3562A>G), located in coding exon 33 of the RTEL1 gene, results from an A to G substitution at nucleotide position 3562. The arginine at codon 1188 is replaced by glycine, an amino acid with dissimilar properties. This amino acid position is conserved. In addition, this alteration is predicted to be tolerated by in silico analysis. Based on the available evidence, the clinical significance of this variant remains unclear.